The following is an entry in ClinVar:

ClinVar aggregate classification (germline): Likely pathogenic (1 of 4 stars; one submission).

Conditions:
Salla disease (SD). Also called: Less Severe FSASD (Salla Disease); Sialuria, Finnish type; N-acetylneuraminic acid (NANA) storage disease (NSD); Infantile sialic acid storage disorder (ISSD). Identifiers: Orphanet 309334, Orphanet 834, MedGen C1096903, MONDO:0011449, OMIM 604369.

Submission:

Labcorp Genetics (formerly Invitae), Labcorp
Classification: Likely pathogenic for Salla disease. Last evaluated: 2021-08-05. Review status: criteria provided, single submitter. Criteria: Invitae Variant Classification Sherloc (09022015). Collection method: clinical testing. Allele origin: germline.
Comment: In summary, the currently available evidence indicates that the variant is pathogenic, but additional data are needed to prove that conclusively. Therefore, this variant has been classified as Likely Pathogenic. This variant has not been reported in the literature in individuals affected with SLC17A5-related conditions. This variant results in a copy number gain of the genomic region encompassing exon(s) 10 of the SLC17A5 gene. While the exact position of this variant cannot be determined from the data, sub-genic copy number gains are generally in tandem (PMID: 25640679). This variant is predicted to be out-of-frame, and may result in an absent or disrupted protein product. Loss-of-function variants in SLC17A5 are known to be pathogenic (PMID: 10581036, 10947946, 15172001).

Literature cited by the submitters: PubMed 25640679; PubMed 10581036; PubMed 10947946; PubMed 15172001.

NC_000006.11:g.(?_74310064)_(74310174_?)dup

Gene: SLC17A5 (solute carrier family 17 member 5; minus strand). Cytogenetic location: 6q13.
Variant type: Duplication.
Identifiers: ClinVar variation 1518099 (VCV001518099.4).